The following is an entry in ClinVar:

ClinVar aggregate classification (germline): Uncertain significance (1 of 4 stars; one submission).

Conditions:
Familial cancer of breast. Also called: Hereditary breast cancer; BREAST CANCER, FAMILIAL; hereditary breast carcinoma. Identifiers: Orphanet 227535, MedGen C0346153, MONDO:0016419, OMIM 114480. Disease mechanism: loss of function.
Fanconi anemia complementation group J. Also called: BRIP1-Related Fanconi Anemia. Identifiers: Orphanet 84, MedGen C1836860, MONDO:0012187, OMIM 609054.

Submission:

Labcorp Genetics (formerly Invitae), Labcorp
Classification: Uncertain significance for Familial cancer of breast; Fanconi anemia complementation group J. Last evaluated: 2020-11-17. Review status: criteria provided, single submitter. Criteria: Invitae Variant Classification Sherloc (09022015). Collection method: clinical testing. Allele origin: germline.
Comment: In summary, the available evidence is currently insufficient to determine the role of this variant in disease. Therefore, it has been classified as a Variant of Uncertain Significance. Algorithms developed to predict the effect of missense changes on protein structure and function output the following: SIFT: "Tolerated"; PolyPhen-2: "Benign"; Align-GVGD: "Class C0". The serine amino acid residue is found in multiple mammalian species, suggesting that this missense change does not adversely affect protein function. These predictions have not been confirmed by published functional studies and their clinical significance is uncertain. This variant has not been reported in the literature in individuals with BRIP1-related conditions. This variant is not present in population databases (ExAC no frequency). This sequence change replaces asparagine with serine at codon 955 of the BRIP1 protein (p.Asn955Ser). The asparagine residue is weakly conserved and there is a small physicochemical difference between asparagine and serine.

NM_032043.3(BRIP1):c.2864A>G (p.Asn955Ser)

Gene: BRIP1 (BRCA1 interacting DNA helicase 1; minus strand). Cytogenetic location: 17q23.2.
Variant type: single nucleotide variant.
Coding change: c.2864A>G on transcript NM_032043.3 (MANE Select); coding-DNA position 2864, A replaced by G.
Protein change: p.Asn955Ser; replaces asparagine 955 with serine.
Molecular consequence: missense variant.
Genome position (GRCh38, 1-based): chr17:61,685,877, T>C on the plus strand (A>G on the coding strand, the complement: BRIP1 is on the minus strand). VCF-style: chr17-61685877-T-C. GRCh37 (hg19) VCF-style: chr17-59763238-T-C.
Other names: short protein forms N955S.
Identifiers: ClinVar variation 1471322 (VCV001471322.9), dbSNP rs2144108643, ClinGen allele CA400481265.